The following is an entry in ClinVar:

ClinVar aggregate classification (germline): Likely benign (1 of 4 stars; one submission).

gnomAD v4.1: 7 of 1,209,234 alleles (0.00058%); highest among the groups gnomAD compares: South Asian, 0.0018%; no homozygotes.

Submission:

CeGaT Center for Human Genetics Tuebingen
Classification: Likely benign. Last evaluated: 2026-01-01. Review status: criteria provided, single submitter. Criteria: CeGaT Center For Human Genetics Tuebingen Variant Classification Criteria Version 2. Collection method: clinical testing. Allele origin: germline. Affected: yes. Observed: 1 variant allele.
Comment: KLHL15: BP4, BP7

NM_030624.3(KLHL15):c.1437C>T (p.Cys479=)

Gene: KLHL15 (kelch like family member 15; minus strand). Cytogenetic location: Xp22.11.
Variant type: single nucleotide variant.
Coding change: c.1437C>T on transcript NM_030624.3 (MANE Select); coding-DNA position 1437, C replaced by T.
Protein change: p.Cys479=; no amino-acid change (cysteine 479 retained).
Molecular consequence: synonymous variant.
Genome position (GRCh38, 1-based): chrX:23,988,299, G>A on the plus strand (C>T on the coding strand, the complement: KLHL15 is on the minus strand). VCF-style: chrX-23988299-G-A. GRCh37 (hg19) VCF-style: chrX-24006416-G-A.
Identifiers: ClinVar variation 4821079 (VCV004821079.4).